The following is an entry in ClinVar:

NM_133497.4(KCNV2):c.1186G>A (p.Gly396Arg)

Gene: KCNV2 (potassium voltage-gated channel modifier subfamily V member 2; plus strand). Cytogenetic location: 9p24.2.
Variant type: single nucleotide variant.
Coding change: c.1186G>A on transcript NM_133497.4 (MANE Select); coding-DNA position 1186, G replaced by A.
Protein change: p.Gly396Arg; replaces glycine 396 with arginine.
Molecular consequence: missense variant.
Genome position (GRCh38, 1-based): chr9:2,718,925, G>A. VCF-style: chr9-2718925-G-A. GRCh37 (hg19) VCF-style: chr9-2718925-G-A.
Other names: short protein forms G396R.
Identifiers: ClinVar variation 853427 (VCV000853427.11), dbSNP rs138924201, ClinGen allele CA4965811.

ClinVar aggregate classification (germline): Uncertain significance. Review status: criteria provided, multiple submitters, no conflicts (2 of 4 stars). 3 submissions from 3 submitters: Uncertain significance (2). 1 of the submissions does not count toward it. Last evaluated 2024-10-09.

Conditions:
Retinal dystrophy. Also called: Inherited retinal dystrophy. Identifiers: Orphanet 71862, MedGen C0854723, MeSH D058499, MONDO:0019118, HP:0000556.

Allele frequency attached by ClinVar (database versions not stated): TOPMed 0.00002.
gnomAD v4.1: 41 of 1,609,186 alleles (0.0025%); highest among the groups gnomAD compares: Admixed American, 0.0067%; no homozygotes.

Submissions (3):

Blueprint Genetics
Classification: Uncertain significance. Last evaluated: 2024-10-09. Review status: criteria provided, single submitter. Criteria: ACMG Guidelines, 2015. Collection method: clinical testing. Allele origin: germline.

Labcorp Genetics (formerly Invitae), Labcorp
Classification: Uncertain significance. Last evaluated: 2024-07-04. Review status: criteria provided, single submitter. Criteria: Invitae Variant Classification Sherloc (09022015). Collection method: clinical testing. Allele origin: germline.
Comment: This sequence change replaces glycine, which is neutral and non-polar, with arginine, which is basic and polar, at codon 396 of the KCNV2 protein (p.Gly396Arg). This variant is present in population databases (rs138924201, gnomAD 0.01%). This variant has not been reported in the literature in individuals affected with KCNV2-related conditions. ClinVar contains an entry for this variant (Variation ID: 853427). Advanced modeling of protein sequence and biophysical properties (such as structural, functional, and spatial information, amino acid conservation, physicochemical variation, residue mobility, and thermodynamic stability) has been performed at Invitae for this missense variant, however the output from this modeling did not meet the statistical confidence thresholds required to predict the impact of this variant on KCNV2 protein function. In summary, the available evidence is currently insufficient to determine the role of this variant in disease. Therefore, it has been classified as a Variant of Uncertain Significance.

Institute of Human Genetics, Univ. Regensburg, Univ. Regensburg
Classification: Likely pathogenic for Retinal dystrophy. Last evaluated: 2021-01-01. Review status: no assertion criteria provided. Criteria: ACMG Guidelines, 2015. Collection method: clinical testing. Allele origin: germline. Affected: yes. Not counted in ClinVar's aggregate classification.